The following is an entry in ClinVar:

NM_001563.4(IMPG1):c.2208A>C (p.Glu736Asp)

Gene: IMPG1 (interphotoreceptor matrix proteoglycan 1; minus strand). Cytogenetic location: 6q14.1.
Variant type: single nucleotide variant.
Coding change: c.2208A>C on transcript NM_001563.4 (MANE Select); coding-DNA position 2208, A replaced by C.
Protein change: p.Glu736Asp; replaces glutamic acid 736 with aspartic acid.
Molecular consequence: missense variant.
Genome position (GRCh38, 1-based): chr6:75,930,988, T>G on the plus strand (A>C on the coding strand, the complement: IMPG1 is on the minus strand). VCF-style: chr6-75930988-T-G. GRCh37 (hg19) VCF-style: chr6-76640705-T-G.
Other names: c.1974A>C, p.Glu658Asp (NM_001282368.2); short protein forms E658D, E736D.
Identifiers: ClinVar variation 2702277 (VCV002702277.3), dbSNP rs2535869504, ClinGen allele CA364769387.
Genomic context (GRCh38, chr6:75,930,988, plus strand): 5'-TGTGACGTTAGCATGCTTGACCCACCTGCATGGAGCTCCCTTTCCCTGGAGGACCTCGCA[T>G]TCCTTTGTGCCAGGGCCACAGAGGCCTGGTTCCAGACCGTCCAGGCTCCCCTGGCTGTCA-3'
Protein context (NP_001554.2, residues 726-746): EPGLCGPGTK[Glu736Asp]CEVLQGKGAP

ClinVar aggregate classification (germline): Uncertain significance (1 of 4 stars; one submission).

gnomAD v4.1: 3 of 1,614,238 alleles (0.00019%); highest among the groups gnomAD compares: Non-Finnish European, 0.00025%; no homozygotes.

Submission:

Labcorp Genetics (formerly Invitae), Labcorp
Classification: Uncertain significance. Last evaluated: 2023-12-11. Review status: criteria provided, single submitter. Criteria: Invitae Variant Classification Sherloc (09022015). Collection method: clinical testing. Allele origin: germline.
Comment: This sequence change replaces glutamic acid, which is acidic and polar, with aspartic acid, which is acidic and polar, at codon 736 of the IMPG1 protein (p.Glu736Asp). This variant is not present in population databases (gnomAD no frequency). This variant has not been reported in the literature in individuals affected with IMPG1-related conditions. Algorithms developed to predict the effect of missense changes on protein structure and function output the following: SIFT: "Not Available"; PolyPhen-2: "Benign"; Align-GVGD: "Not Available". The aspartic acid amino acid residue is found in multiple mammalian species, which suggests that this missense change does not adversely affect protein function. In summary, the available evidence is currently insufficient to determine the role of this variant in disease. Therefore, it has been classified as a Variant of Uncertain Significance.